The following is an entry in ClinVar:

ClinVar aggregate classification (germline): Pathogenic/Likely pathogenic. Review status: criteria provided, multiple submitters, no conflicts (2 of 4 stars). 3 submissions from 3 submitters: Pathogenic (1); Likely pathogenic (1). 1 of the submissions does not count toward it. Last evaluated 2021-05-26.

Conditions:
Leber congenital amaurosis 9 (LCA9). Also called: LCA9 Leber Congenital Amaurosis; LCA 9; Amaurosis congenita of Leber, type 9. Identifiers: Orphanet 65, MedGen C1837873, MONDO:0012056, OMIM 608553.

Allele frequency attached by ClinVar (database versions not stated): gnomAD exomes below 0.00001; TOPMed 0.00001.
gnomAD v4.1: 2 of 1,614,088 alleles (0.00012%); highest among the groups gnomAD compares: Non-Finnish European, 0.00017%; no homozygotes.

Submissions (3):

Revvity Omics, Revvity
Classification: Likely pathogenic. Last evaluated: 2021-05-26. Review status: criteria provided, single submitter. Criteria: ACMG Guidelines, 2015. Collection method: clinical testing. Allele origin: germline.

Labcorp Genetics (formerly Invitae), Labcorp
Classification: Pathogenic for Leber congenital amaurosis 9. Last evaluated: 2020-07-12. Review status: criteria provided, single submitter. Criteria: Invitae Variant Classification Sherloc (09022015). Collection method: clinical testing. Allele origin: germline.
Comment: Algorithms developed to predict the effect of sequence changes on RNA splicing suggest that this variant may create or strengthen a splice site, but this prediction has not been confirmed by published transcriptional studies. For these reasons, this variant has been classified as Pathogenic. Algorithms developed to predict the effect of missense changes on protein structure and function output the following: SIFT: "Tolerated"; PolyPhen-2: "Benign"; Align-GVGD: "Class C0". The serine amino acid residue is found in multiple mammalian species, suggesting that this missense change does not adversely affect protein function. These predictions have not been confirmed by published functional studies and their clinical significance is uncertain. This variant has been observed in individual(s) with inherited retinal dystrophy (PMID: 27422788, 29178642, 28369829). In at least one individual the data is consistent with the variant being in trans (on the opposite chromosome) from a pathogenic variant. It has also been observed to segregate with disease in related individuals. This variant is not present in population databases (ExAC no frequency). This sequence change replaces asparagine with serine at codon 167 of the NMNAT1 protein (p.Asn167Ser). The asparagine residue is highly conserved and there is a small physicochemical difference between asparagine and serine.

OMIM
Classification: Pathogenic for LEBER CONGENITAL AMAUROSIS 9. Last evaluated: 2021-04-09. Review status: no assertion criteria provided. Collection method: literature only. Allele origin: germline. Not counted in ClinVar's aggregate classification.

Literature cited by the submitters: PubMed 27422788 (cited by Labcorp Genetics (formerly Invitae), Labcorp); PubMed 29178642 (cited by Labcorp Genetics (formerly Invitae), Labcorp); PubMed 28369829 (cited by Labcorp Genetics (formerly Invitae), Labcorp and OMIM).

NM_022787.4(NMNAT1):c.500A>G (p.Asn167Ser)

Gene: NMNAT1 (nicotinamide nucleotide adenylyltransferase 1; plus strand). Cytogenetic location: 1p36.22.
Variant type: single nucleotide variant.
Coding change: c.500A>G on transcript NM_022787.4 (MANE Select); coding-DNA position 500, A replaced by G.
Protein change: p.Asn167Ser; replaces asparagine 167 with serine.
Molecular consequence: missense variant.
Genome position (GRCh38, 1-based): chr1:9,982,361, A>G. VCF-style: chr1-9982361-A-G. GRCh37 (hg19) VCF-style: chr1-10042419-A-G.
Other names: c.500A>G, p.Asn167Ser (NM_001297778.1); short protein forms N167S.
Identifiers: ClinVar variation 1062684 (VCV001062684.10), dbSNP rs1405020783, ClinGen allele CA338686550.